The following is an entry in ClinVar:

ClinVar aggregate classification (germline): Benign/Likely benign. Review status: criteria provided, multiple submitters, no conflicts (2 of 4 stars). 8 submissions from 8 submitters: Benign (3); Likely benign (4). 1 of the submissions does not count toward it. Last evaluated 2026-09-01.

Conditions:
RTTN-related disorder. Also called: RTTN-related condition.
Microcephalic primordial dwarfism due to RTTN deficiency (MSSP). Also called: Microcephaly, short stature, and polymicrogyria with or without seizures; MICROCEPHALY, SHORT STATURE, AND POLYMICROGYRIA. Identifiers: Orphanet 468631, MedGen C3553831, MONDO:0018764, OMIM 614833.

Allele frequency attached by ClinVar (database versions not stated): 1000 Genomes Project 30x 0.00468; 1000 Genomes Project 0.00539; TOPMed 0.00585; ExAC 0.00732; gnomAD exomes 0.00735 and 0.00870; gnomAD 0.00738 and 0.00750; ESP Exome Variant Server 0.00850.
gnomAD v4.1: 13,733 of 1,613,960 alleles (0.85%); highest among the groups gnomAD compares: Non-Finnish European, 0.94%; 69 homozygotes.

Submissions (15):

CeGaT Center for Human Genetics Tuebingen
Classification: Likely benign. Last evaluated: 2026-09-01. Review status: criteria provided, single submitter. Criteria: CeGaT Center For Human Genetics Tuebingen Variant Classification Criteria Version 2. Collection method: clinical testing. Allele origin: germline. Affected: yes. Observed: 61 variant alleles.
Comment: RTTN: BP4, BS1

Labcorp Genetics (formerly Invitae), Labcorp
Classification: Benign. Last evaluated: 2026-01-27. Review status: criteria provided, single submitter. Criteria: Invitae Variant Classification Sherloc (09022015). Collection method: clinical testing. Allele origin: germline.

Genomic Medicine Center of Excellence, King Faisal Specialist Hospital and Research Centre
Classification: Likely benign. Last evaluated: 2025-08-18. Review status: criteria provided, single submitter. Criteria: ACMG Guidelines, 2015. Collection method: clinical testing. Allele origin: germline.

Fulgent Genetics
Classification: Likely benign for Microcephalic primordial dwarfism due to RTTN deficiency. Last evaluated: 2022-02-16. Review status: criteria provided, single submitter. Criteria: ACMG Guidelines, 2015. Collection method: clinical testing. Allele origin: unknown.

Genetic Services Laboratory, University of Chicago
Classification: Benign. Last evaluated: 2020-09-16. Review status: criteria provided, single submitter. Criteria: ACMG Guidelines, 2015. Collection method: clinical testing. Allele origin: germline. Affected: no.

GeneDx
Classification: Benign. Last evaluated: 2016-04-28. Review status: criteria provided, single submitter. Criteria: GeneDx Variant Classification (06012015). Collection method: clinical testing. Allele origin: germline. Affected: yes.
Comment: This variant is considered likely benign or benign based on one or more of the following criteria: it is a conservative change, it occurs at a poorly conserved position in the protein, it is predicted to be benign by multiple in silico algorithms, and/or has population frequency not consistent with disease.

Breakthrough Genomics
Classification: Likely benign. Review status: criteria provided, single submitter. Criteria: ACMG Guidelines, 2015. Collection method: not provided. Allele origin: germline. Inheritance: Autosomal recessive inheritance. Affected: yes.

PreventionGenetics, part of Exact Sciences
Classification: Benign for RTTN-related condition. Last evaluated: 2019-03-15. Review status: no assertion criteria provided. Collection method: clinical testing. Allele origin: germline. Not counted in ClinVar's aggregate classification.
Comment: This variant is classified as benign based on ACMG/AMP sequence variant interpretation guidelines (Richards et al. 2015 PMID: 25741868, with internal and published modifications).

Dr. Peter K. Rogan Lab, Western University
No classification provided (evidence only). Condition: Melanoma. Review status: no classification provided. Collection method: in vitro. Allele origin: not applicable. Functional consequence: retained intron. Not counted in ClinVar's aggregate classification.

Dr. Peter K. Rogan Lab, Western University
No classification provided (evidence only). Condition: Acute myeloid leukemia. Review status: no classification provided. Collection method: in vitro. Allele origin: not applicable. Functional consequence: retained intron. Not counted in ClinVar's aggregate classification.

Dr. Peter K. Rogan Lab, Western University
No classification provided (evidence only). Condition: Colorectal cancer. Review status: no classification provided. Collection method: in vitro. Allele origin: not applicable. Functional consequence: retained intron. Not counted in ClinVar's aggregate classification.

Dr. Peter K. Rogan Lab, Western University
No classification provided (evidence only). Condition: Sarcoma. Review status: no classification provided. Collection method: in vitro. Allele origin: not applicable. Functional consequence: retained intron. Not counted in ClinVar's aggregate classification.

Dr. Peter K. Rogan Lab, Western University
No classification provided (evidence only). Condition: Sarcoma. Review status: no classification provided. Collection method: in vitro. Allele origin: not applicable. Functional consequence: retained intron. Not counted in ClinVar's aggregate classification.

Dr. Peter K. Rogan Lab, Western University
No classification provided (evidence only). Condition: Gastric cancer. Review status: no classification provided. Collection method: in vitro. Allele origin: not applicable. Functional consequence: retained intron. Not counted in ClinVar's aggregate classification.

Dr. Peter K. Rogan Lab, Western University
No classification provided (evidence only). Condition: Malignant tumor of esophagus. Review status: no classification provided. Collection method: in vitro. Allele origin: not applicable. Functional consequence: retained intron. Not counted in ClinVar's aggregate classification.

NM_173630.4(RTTN):c.32-3C>T

Gene: RTTN (rotatin; minus strand). Cytogenetic location: 18q22.2.
Variant type: single nucleotide variant.
Coding change: c.32-3C>T on transcript NM_173630.4 (MANE Select); 3 bases into the intron before coding-DNA position 32, C replaced by T.
Molecular consequence: intron variant.
Genome position (GRCh38, 1-based): chr18:70,205,318, G>A on the plus strand (C>T on the coding strand, the complement: RTTN is on the minus strand). VCF-style: chr18-70205318-G-A. GRCh37 (hg19) VCF-style: chr18-67872554-G-A.
Other names: c.-2522-3C>T (NM_001318520.2).
Identifiers: ClinVar variation 130175 (VCV000130175.56), dbSNP rs75577820, ClinGen allele CA155000.
Genomic context (GRCh38, chr18:70,205,318, plus strand): 5'-TCAATCTTGCAGAGAATACTCTTGAGAGCGCGCTCCCTGATCTCGGCCAGCTGATGACCT[G>A]TCAACGAACGGCACAAAACTATTTTATTTCCCGACTGCAAAGAGACTACGTTATTTATGC-3'